The following is an entry in ClinVar:

ClinVar aggregate classification (germline): Pathogenic/Likely pathogenic. Review status: criteria provided, multiple submitters, no conflicts (2 of 4 stars). 4 submissions from 4 submitters: Pathogenic (3); Likely pathogenic (1). Last evaluated 2025-04-22.

Conditions:
Leukoencephalopathy-thalamus and brainstem anomalies-high lactate syndrome. Also called: LEUKOENCEPHALOPATHY WITH THALAMUS AND BRAINSTEM INVOLVEMENT AND HIGH LACTATE; Combined oxidative phosphorylation deficiency 12. Identifiers: Orphanet 314051, MedGen C4706421, MONDO:0013971, OMIM 614924.

Allele frequency attached by ClinVar (database versions not stated): gnomAD 0.00001 and 0.00002; gnomAD exomes 0.00002 and 0.00005; TOPMed 0.00002; ExAC 0.00004; ESP Exome Variant Server 0.00008; 1000 Genomes Project 30x 0.00016.

Submissions (4):

GeneDx
Classification: Likely pathogenic. Last evaluated: 2025-04-22. Review status: criteria provided, single submitter. Criteria: GeneDx Variant Classification Process June 2021. Collection method: clinical testing. Allele origin: germline. Affected: yes.
Comment: Frameshift variant predicted to result in protein truncation or nonsense mediated decay in a gene for which loss of function is a known mechanism of disease; This variant is associated with the following publications: (PMID: 33972171)

Labcorp Genetics (formerly Invitae), Labcorp
Classification: Pathogenic. Last evaluated: 2024-07-07. Review status: criteria provided, single submitter. Criteria: Invitae Variant Classification Sherloc (09022015). Collection method: clinical testing. Allele origin: germline.
Comment: This sequence change creates a premature translational stop signal (p.Cys140Phefs*24) in the EARS2 gene. It is expected to result in an absent or disrupted protein product. Loss-of-function variants in EARS2 are known to be pathogenic (PMID: 22492562). This variant is present in population databases (rs767857970, gnomAD 0.05%). This premature translational stop signal has been observed in individual(s) with clinical features of EARS2-related conditions (PMID: 33972171). ClinVar contains an entry for this variant (Variation ID: 1452135). For these reasons, this variant has been classified as Pathogenic.

Baylor Genetics
Classification: Pathogenic for Leukoencephalopathy-thalamus and brainstem anomalies-high lactate syndrome. Last evaluated: 2023-09-15. Review status: criteria provided, single submitter. Criteria: ACMG Guidelines, 2015. Collection method: clinical testing. Allele origin: unknown.

Juno Genomics, Hangzhou Juno Genomics, Inc
Classification: Pathogenic for Leukoencephalopathy-thalamus and brainstem anomalies-high lactate syndrome. Review status: criteria provided, single submitter. Criteria: ACMG Guidelines, 2015. Collection method: clinical testing. Allele origin: germline.
Comment: Absent from controls (or at extremely low frequency if recessive) in Genome Aggregation Database.;Null variant in a gene where loss of function (LOF) is a known mechanism of disease.;For recessive disorders, detected in trans with a pathogenic variant.;Patient's phenotype or family history is highly specific for a disease with a single genetic etiology.

Literature cited by the submitters: PubMed 22492562 (cited by Labcorp Genetics (formerly Invitae), Labcorp); PubMed 33972171 (cited by Labcorp Genetics (formerly Invitae), Labcorp).

NM_001083614.2(EARS2):c.417_418del (p.Cys140fs)

Gene: EARS2 (glutamyl-tRNA synthetase 2, mitochondrial; minus strand). Cytogenetic location: 16p12.2.
Variant type: Deletion.
Coding change: c.417_418del on transcript NM_001083614.2 (MANE Select); coding-DNA positions 417 to 418, 2 bases deleted (CT; older notation c.417_418delCT).
Protein change: p.Cys140fs; shifts the reading frame from cysteine 140.
Molecular consequence: frameshift variant. On other transcripts: non-coding transcript variant (1).
Genome position (GRCh38, 1-based): chr16:23,544,581-23,544,582, AG deleted on the plus strand (CT on the coding strand, the reverse complement: EARS2 is on the minus strand). VCF-style (leftmost placement, unchanged base first): chr16-23544580-CAG-C. GRCh37 (hg19) VCF-style: chr16-23555901-CAG-C.
Other names: c.417_418del, p.Cys140fs (NM_001308211.1); short protein forms C140fs.
Identifiers: ClinVar variation 1452135 (VCV001452135.11), dbSNP rs767857970, ClinGen allele CA7962598.